The following is an entry in ClinVar:

NM_000069.3(CACNA1S):c.-4A>G

Gene: CACNA1S (calcium voltage-gated channel subunit alpha1 S; minus strand). Cytogenetic location: 1q32.1.
Variant type: single nucleotide variant.
Coding change: c.-4A>G on transcript NM_000069.3 (MANE Select); 4 bases upstream of the start codon, A replaced by G.
Molecular consequence: 5 prime UTR variant.
Genome position (GRCh38, 1-based): chr1:201,112,343, T>C on the plus strand (A>G on the coding strand, the complement: CACNA1S is on the minus strand). VCF-style: chr1-201112343-T-C. GRCh37 (hg19) VCF-style: chr1-201081471-T-C.
Identifiers: ClinVar variation 488912 (VCV000488912.43), dbSNP rs200408018, ClinGen allele CA083652.

ClinVar aggregate classification (germline): Conflicting classifications of pathogenicity. Review status: criteria provided, conflicting classifications (1 of 4 stars). 5 submissions from 5 submitters: Uncertain significance (1); Likely benign (4). Last evaluated 2026-06-01.

Conditions:
Hypokalemic periodic paralysis, type 1. Also called: HypoPP; Hypokalemic Periodic Paralysis Type 1 (AD). Identifiers: Orphanet 681, MedGen C3714580, MONDO:0042979, OMIM 170400.
Malignant hyperthermia, susceptibility to, 5 (MHS5). Also called: CACNA1S-Related Malignant Hyperthermia Susceptibility. Identifiers: Orphanet 423, MedGen C1866077, MONDO:0011163, OMIM 601887.

Allele frequency attached by ClinVar (database versions not stated): TOPMed 0.00022; gnomAD exomes 0.00038 and 0.00049; gnomAD 0.00050; ExAC 0.00051.
gnomAD v4.1: 622 of 1,612,904 alleles (0.039%); highest among the groups gnomAD compares: South Asian, 0.051%; 1 homozygote.

Submissions (5):

CeGaT Center for Human Genetics Tuebingen
Classification: Likely benign. Last evaluated: 2026-06-01. Review status: criteria provided, single submitter. Criteria: CeGaT Center For Human Genetics Tuebingen Variant Classification Criteria Version 2. Collection method: clinical testing. Allele origin: germline. Affected: yes. Observed: 4 variant alleles.
Comment: CACNA1S: BP4

Blueprint Genetics
Classification: Likely benign. Last evaluated: 2024-09-06. Review status: criteria provided, single submitter. Criteria: ACMG Guidelines, 2015. Collection method: clinical testing. Allele origin: germline.

Color Diagnostics, LLC DBA Color Health
Classification: Likely benign for Malignant hyperthermia, susceptibility to, 5. Last evaluated: 2022-10-11. Review status: criteria provided, single submitter. Criteria: ACMG Guidelines, 2015. Collection method: clinical testing. Allele origin: germline.

GeneDx
Classification: Uncertain significance. Last evaluated: 2019-06-25. Review status: criteria provided, single submitter. Criteria: GeneDx Variant Classification Process June 2021. Collection method: clinical testing. Allele origin: germline. Affected: yes.
Comment: Alters a position that is not conserved in the Kozak sequence, which plays a role in the initiation of protein translation. However, in the absence of RNA/functional studies, the actual effect of this sequence change in this individual is unknown; Has not been previously published as pathogenic or benign to our knowledge

Illumina Laboratory Services, Illumina
Classification: Likely benign for Hypokalemic periodic paralysis, type 1. Last evaluated: 2018-01-13. Review status: criteria provided, single submitter. Criteria: ICSL Variant Classification Criteria 13 December 2019. Collection method: clinical testing. Allele origin: germline.
Comment: This variant was observed in the ICSL laboratory as part of a predisposition screen in an ostensibly healthy population. It had not been previously curated by ICSL or reported in the Human Gene Mutation Database (HGMD: prior to June 1st, 2018), and was therefore a candidate for classification through an automated scoring system. Utilizing variant allele frequency, disease prevalence and penetrance estimates, and inheritance mode, an automated score was calculated to assess if this variant is too frequent to cause the disease. Based on the score and internal cut-off values, a variant classified as likely benign is not then subjected to further curation. The score for this variant resulted in a classification of likely benign for this disease.